The following is an entry in ClinVar:

NM_138713.4(NFAT5):c.755A>T (p.His252Leu)

Gene: NFAT5 (nuclear factor of activated T cells 5; plus strand). Cytogenetic location: 16q22.1.
Variant type: single nucleotide variant.
Coding change: c.755A>T on transcript NM_138713.4 (MANE Select); coding-DNA position 755, A replaced by T.
Protein change: p.His252Leu; replaces histidine 252 with leucine.
Molecular consequence: missense variant. On other transcripts: intron variant (1).
Genome position (GRCh38, 1-based): chr16:69,647,529, A>T. VCF-style: chr16-69647529-A-T. GRCh37 (hg19) VCF-style: chr16-69681432-A-T.
Other names: c.755A>T, p.His252Leu (NM_001113178.3); c.701A>T, p.His234Leu (NM_006599.4); c.473A>T, p.His158Leu (NM_138714.4, NM_173214.3, NM_173215.3); c.140+362A>T (NM_001367709.1); short protein forms H234L, H252L, H158L.
Identifiers: ClinVar variation 1384640 (VCV001384640.8), dbSNP rs2151622284, ClinGen allele CA396486828.
Genomic context (GRCh38, chr16:69,647,529, plus strand): 5'-GACGAGATTGTGAAGAATCTAATATGGATATATTTGATGCCGACAGTGCCAAAGCACCTC[A>T]CTATGTGCTTTCTCAGCTTACCACGGACAACAAAGGCAACTCAAAAGCGGGAAATGGGTT-3'
Protein context (NP_619727.2, residues 242-262): IFDADSAKAP[His252Leu]YVLSQLTTDN

ClinVar aggregate classification (germline): Uncertain significance (1 of 4 stars; one submission).

Conditions:
Immunodeficiency. Identifiers: MedGen C0021051, MONDO:0021094, HP:0002721.

gnomAD v4.1: 1 of 1,604,558 alleles (0.000062%); highest among the groups gnomAD compares: Non-Finnish European, 0.000085%; no homozygotes.

Submission:

Labcorp Genetics (formerly Invitae), Labcorp
Classification: Uncertain significance for Immunodeficiency. Last evaluated: 2022-09-02. Review status: criteria provided, single submitter. Criteria: Invitae Variant Classification Sherloc (09022015). Collection method: clinical testing. Allele origin: germline.
Comment: This sequence change replaces histidine, which is basic and polar, with leucine, which is neutral and non-polar, at codon 158 of the NFAT5 protein (p.His158Leu). This variant is not present in population databases (gnomAD no frequency). This variant has not been reported in the literature in individuals affected with NFAT5-related conditions. ClinVar contains an entry for this variant (Variation ID: 1384640). Algorithms developed to predict the effect of missense changes on protein structure and function (SIFT, PolyPhen-2, Align-GVGD) all suggest that this variant is likely to be disruptive. In summary, the available evidence is currently insufficient to determine the role of this variant in disease. Therefore, it has been classified as a Variant of Uncertain Significance.